The following is an entry in ClinVar:

ClinVar aggregate classification (germline): Uncertain significance (1 of 4 stars; one submission).

Conditions:
Familial thoracic aortic aneurysm and aortic dissection (TAAD). Also called: Thoracic aortic aneurysms and dissections. Identifiers: Orphanet 91387, MedGen C4707243, MONDO:0019625.

Submission:

Ambry Genetics
Classification: Uncertain significance for Familial thoracic aortic aneurysm and aortic dissection. Last evaluated: 2018-10-29. Review status: criteria provided, single submitter. Criteria: Ambry Variant Classification Scheme 2023. Collection method: clinical testing. Allele origin: germline.
Comment: The p.E1243G variant (also known as c.3728A>G), located in coding exon 30 of the FBN1 gene, results from an A to G substitution at nucleotide position 3728. The glutamic acid at codon 1243 is replaced by glycine, an amino acid with similar properties, and is located in the cbEGF-like #16 domain. This amino acid position is well conserved in available vertebrate species. In addition, the in silico prediction for this alteration is inconclusive. Since supporting evidence is limited at this time, the clinical significance of this alteration remains unclear.

NM_000138.5(FBN1):c.3728A>G (p.Glu1243Gly)

Gene: FBN1 (fibrillin 1; minus strand). Cytogenetic location: 15q21.1.
Variant type: single nucleotide variant.
Coding change: c.3728A>G on transcript NM_000138.5 (MANE Select); coding-DNA position 3728, A replaced by G.
Protein change: p.Glu1243Gly; replaces glutamic acid 1243 with glycine.
Molecular consequence: missense variant.
Genome position (GRCh38, 1-based): chr15:48,483,928, T>C on the plus strand (A>G on the coding strand, the complement: FBN1 is on the minus strand). VCF-style: chr15-48483928-T-C. GRCh37 (hg19) VCF-style: chr15-48776125-T-C.
Other names: short protein forms E1243G.
Identifiers: ClinVar variation 519795 (VCV000519795.5), dbSNP rs1555398290, ClinGen allele CA392324163.